The following is an entry in ClinVar:

ClinVar aggregate classification (germline): Uncertain significance. Review status: criteria provided, multiple submitters, no conflicts (2 of 4 stars). 3 submissions from 3 submitters: Uncertain significance (3). Last evaluated 2025-07-08.

Conditions:
Primary ciliary dyskinesia 6. Also called: Primary Ciliary Dyskinesia 6: TXNDC3-Related Primary Ciliary Dyskinesia. Identifiers: Orphanet 244, MedGen C1970506, MONDO:0012571, OMIM 610852.
Primary ciliary dyskinesia. Also called: Ciliary dyskinesia. Identifiers: Orphanet 244, MedGen C0008780, MONDO:0016575, HP:0012265.

Allele frequency attached by ClinVar (database versions not stated): gnomAD exomes 0.00004 and 0.00008; gnomAD 0.00005; TOPMed 0.00006; ExAC 0.00012.
gnomAD v4.1: 69 of 1,613,726 alleles (0.0043%); highest among the groups gnomAD compares: Middle Eastern, 0.31%; 2 homozygotes.

Submissions (3):

Labcorp Genetics (formerly Invitae), Labcorp
Classification: Uncertain significance for Primary ciliary dyskinesia 6. Last evaluated: 2025-07-08. Review status: criteria provided, single submitter. Criteria: Invitae Variant Classification Sherloc (09022015). Collection method: clinical testing. Allele origin: germline.
Comment: This sequence change replaces asparagine, which is neutral and polar, with aspartic acid, which is acidic and polar, at codon 579 of the NME8 protein (p.Asn579Asp). This variant is present in population databases (rs775868906, gnomAD 0.01%). This variant has not been reported in the literature in individuals affected with NME8-related conditions. ClinVar contains an entry for this variant (Variation ID: 580084). Invitae Evidence Modeling of protein sequence and biophysical properties (such as structural, functional, and spatial information, amino acid conservation, physicochemical variation, residue mobility, and thermodynamic stability) indicates that this missense variant is not expected to disrupt NME8 protein function with a negative predictive value of 80%. In summary, the available evidence is currently insufficient to determine the role of this variant in disease. Therefore, it has been classified as a Variant of Uncertain Significance.

Ambry Genetics
Classification: Uncertain significance for Primary ciliary dyskinesia. Last evaluated: 2023-06-06. Review status: criteria provided, single submitter. Criteria: Ambry Variant Classification Scheme 2023. Collection method: clinical testing. Allele origin: germline.

Fulgent Genetics
Classification: Uncertain significance for Primary ciliary dyskinesia 6. Last evaluated: 2022-04-21. Review status: criteria provided, single submitter. Criteria: ACMG Guidelines, 2015. Collection method: clinical testing. Allele origin: unknown.

NM_016616.5(NME8):c.1735A>G (p.Asn579Asp)

Gene: NME8 (NME/NM23 family member 8; plus strand). Cytogenetic location: 7p14.1.
Variant type: single nucleotide variant.
Coding change: c.1735A>G on transcript NM_016616.5 (MANE Select); coding-DNA position 1735, A replaced by G.
Protein change: p.Asn579Asp; replaces asparagine 579 with aspartic acid.
Molecular consequence: missense variant.
Genome position (GRCh38, 1-based): chr7:37,897,060, A>G. VCF-style: chr7-37897060-A-G. GRCh37 (hg19) VCF-style: chr7-37936662-A-G.
Other names: short protein forms N579D.
Identifiers: ClinVar variation 580084 (VCV000580084.14), dbSNP rs775868906, ClinGen allele CA4222605.